The following is an entry in ClinVar:

NM_016180.5(SLC45A2):c.1463T>G (p.Ile488Ser)

Gene: SLC45A2 (solute carrier family 45 member 2; minus strand). Cytogenetic location: 5p13.2.
Variant type: single nucleotide variant.
Coding change: c.1463T>G on transcript NM_016180.5 (MANE Select); coding-DNA position 1463, T replaced by G.
Protein change: p.Ile488Ser; replaces isoleucine 488 with serine.
Molecular consequence: missense variant.
Genome position (GRCh38, 1-based): chr5:33,944,778, A>C on the plus strand (T>G on the coding strand, the complement: SLC45A2 is on the minus strand). VCF-style: chr5-33944778-A-C. GRCh37 (hg19) VCF-style: chr5-33944883-A-C.
Other names: short protein forms I488S.
Identifiers: ClinVar variation 1355119 (VCV001355119.5), dbSNP rs770124563, ClinGen allele CA359387236.

ClinVar aggregate classification (germline): Uncertain significance (1 of 4 stars; one submission).

Submission:

Labcorp Genetics (formerly Invitae), Labcorp
Classification: Uncertain significance. Last evaluated: 2021-08-31. Review status: criteria provided, single submitter. Criteria: Invitae Variant Classification Sherloc (09022015). Collection method: clinical testing. Allele origin: germline.
Comment: This sequence change replaces isoleucine with serine at codon 488 of the SLC45A2 protein (p.Ile488Ser). The isoleucine residue is moderately conserved and there is a large physicochemical difference between isoleucine and serine. This variant is not present in population databases (ExAC no frequency). This variant has not been reported in the literature in individuals affected with SLC45A2-related conditions. Algorithms developed to predict the effect of missense changes on protein structure and function are either unavailable or do not agree on the potential impact of this missense change (SIFT: "Deleterious"; PolyPhen-2: "Probably Damaging"; Align-GVGD: "Class C0"). In summary, the available evidence is currently insufficient to determine the role of this variant in disease. Therefore, it has been classified as a Variant of Uncertain Significance.